The following is an entry in ClinVar:

ClinVar aggregate classification (germline): Uncertain significance (1 of 4 stars; one submission).

Conditions:
Joubert syndrome 21 (JBTS21). Identifiers: MedGen C3810212, MONDO:0014288, OMIM 615636.

Submission:

Labcorp Genetics (formerly Invitae), Labcorp
Classification: Uncertain significance for Joubert syndrome 21. Last evaluated: 2022-02-10. Review status: criteria provided, single submitter. Criteria: Invitae Variant Classification Sherloc (09022015). Collection method: clinical testing. Allele origin: germline.
Comment: This sequence change replaces glutamine, which is neutral and polar, with histidine, which is basic and polar, at codon 1196 of the CSPP1 protein (p.Gln1196His). This variant is not present in population databases (gnomAD no frequency). This variant has not been reported in the literature in individuals affected with CSPP1-related conditions. ClinVar contains an entry for this variant (Variation ID: 968361). Algorithms developed to predict the effect of missense changes on protein structure and function output the following: SIFT: "Tolerated"; PolyPhen-2: "Benign"; Align-GVGD: "Class C0". The histidine amino acid residue is found in multiple mammalian species, which suggests that this missense change does not adversely affect protein function. In summary, the available evidence is currently insufficient to determine the role of this variant in disease. Therefore, it has been classified as a Variant of Uncertain Significance.

NM_001382391.1(CSPP1):c.3603G>C (p.Gln1201His)

Genes: ARFGEF1 (ARF guanine nucleotide exchange factor 1; minus strand), CSPP1 (centrosome and spindle pole associated protein 1; plus strand). Cytogenetic location: 8q13.2.
Variant type: single nucleotide variant.
Coding change: c.3603G>C on transcript NM_001382391.1 (MANE Select); coding-DNA position 3603, G replaced by C.
Protein change: p.Gln1201His; replaces glutamine 1201 with histidine.
Molecular consequence: missense variant. On other transcripts: 3 prime UTR variant (1), intron variant (2).
Genome position (GRCh38, 1-based): chr8:67,195,515, G>C. VCF-style: chr8-67195515-G-C. GRCh37 (hg19) VCF-style: chr8-68107750-G-C.
Other names: c.2553G>C, p.Gln851His (NM_001291339.2); c.3522G>C, p.Gln1174His (NM_001363131.2); c.3408G>C, p.Gln1136His (NM_001363132.2); c.3327G>C, p.Gln1109His (NM_001363133.2); c.3669G>C, p.Gln1223His (NM_001364869.1); c.3489G>C, p.Gln1163His (NM_001364870.1); c.3435G>C, p.Gln1145His (NM_001438330.1); c.*95G>C (NM_001438331.1); and 4 more; short protein forms Q1109H, Q1136H, Q1196H, Q1223H, Q1163H, Q1174H, Q1201H, Q851H.
Identifiers: ClinVar variation 968361 (VCV000968361.7), dbSNP rs1837760146, ClinGen allele CA371204477.